The following is an entry in ClinVar:

ClinVar aggregate classification (germline): Uncertain significance (1 of 4 stars; one submission).

Conditions:
Long QT syndrome (LQTS). Identifiers: MedGen C0023976, MeSH D008133, MONDO:0002442. Disease mechanism: loss of function. Inheritance: Various modes of inheritance.

Submission:

Labcorp Genetics (formerly Invitae), Labcorp
Classification: Uncertain significance for Long QT syndrome. Last evaluated: 2022-07-12. Review status: criteria provided, single submitter. Criteria: Invitae Variant Classification Sherloc (09022015). Collection method: clinical testing. Allele origin: germline.
Comment: In summary, the available evidence is currently insufficient to determine the role of this variant in disease. Therefore, it has been classified as a Variant of Uncertain Significance. Algorithms developed to predict the effect of missense changes on protein structure and function output the following: SIFT: "Tolerated"; PolyPhen-2: "Benign"; Align-GVGD: "Class C0". The serine amino acid residue is found in multiple mammalian species, which suggests that this missense change does not adversely affect protein function. ClinVar contains an entry for this variant (Variation ID: 1475273). This variant has not been reported in the literature in individuals affected with CACNA1C-related conditions. This variant is not present in population databases (gnomAD no frequency). This sequence change replaces asparagine, which is neutral and polar, with serine, which is neutral and polar, at codon 1842 of the CACNA1C protein (p.Asn1842Ser).

NM_000719.7(CACNA1C):c.5525A>G (p.Asn1842Ser)

Genes: CACNA1C (calcium voltage-gated channel subunit alpha1 C; plus strand), CACNA1C-AS1 (CACNA1C antisense RNA 1; minus strand). Cytogenetic location: 12p13.33.
Variant type: single nucleotide variant.
Coding change: c.5525A>G on transcript NM_000719.7 (MANE Select); coding-DNA position 5525, A replaced by G.
Protein change: p.Asn1842Ser; replaces asparagine 1842 with serine.
Molecular consequence: missense variant.
Genome position (GRCh38, 1-based): chr12:2,682,630, A>G. VCF-style: chr12-2682630-A-G. GRCh37 (hg19) VCF-style: chr12-2791796-A-G.
Other names: c.5648A>G, p.Asn1883Ser (NM_001129829.2); c.5630A>G, p.Asn1877Ser (NM_001129830.3, NM_001167624.3); c.5609A>G, p.Asn1870Ser (NM_001129831.2); c.5585A>G, p.Asn1862Ser (NM_001129832.2); c.5582A>G, p.Asn1861Ser (NM_001129833.2, NM_001129834.2, NM_001129835.2); c.5576A>G, p.Asn1859Ser (NM_001129836.2); c.5549A>G, p.Asn1850Ser (NM_001129837.2, NM_001129838.2); c.5669A>G, p.Asn1890Ser (NM_001129827.2); and 6 more; short protein forms N1850S, N1859S, N1890S, N1839S, N1848S, N1902S, N1925S, N1831S.
Identifiers: ClinVar variation 1475273 (VCV001475273.8), dbSNP rs886049207, ClinGen allele CA383380931.
Genomic context (GRCh38, chr12:2,682,630, plus strand): 5'-AGGCAGCCATGGCGGGTCAGGAGGAGACGTCTCAGGATGAGACCTATGAAGTGAAGATGA[A>G]CCATGACACGGAGGCCTGCAGTGAGCCCAGCCTGCTCTCCACAGAGATGTGAGCTCTGCT-3'
Protein context (NP_000710.5, residues 1832-1852): SQDETYEVKM[Asn1842Ser]HDTEACSEPS